The following is an entry in ClinVar:

ClinVar aggregate classification (germline): Uncertain significance (1 of 4 stars; one submission).

Submission:

GeneDx
Classification: Uncertain significance. Last evaluated: 2024-03-13. Review status: criteria provided, single submitter. Criteria: GeneDx Variant Classification Process June 2021. Collection method: clinical testing. Allele origin: germline. Affected: yes.
Comment: Not observed at significant frequency in large population cohorts (gnomAD); In silico analysis supports that this missense variant does not alter protein structure/function; Has not been previously published as pathogenic or benign to our knowledge

NM_212533.3(ABCA2):c.92C>T (p.Pro31Leu)

Genes: ABCA2 (ATP binding cassette subfamily A member 2; minus strand), LINC02908 (long independently transcribed non-coding RNA 2908; plus strand). Cytogenetic location: 9q34.3.
Variant type: single nucleotide variant.
Coding change: c.92C>T on transcript NM_212533.3; coding-DNA position 92, C replaced by T.
Protein change: p.Pro31Leu; replaces proline 31 with leucine.
Molecular consequence: missense variant.
Genome position (GRCh38, 1-based): chr9:137,028,781, G>A on the plus strand (C>T on the coding strand, the complement: ABCA2 is on the minus strand). VCF-style: chr9-137028781-G-A. GRCh37 (hg19) VCF-style: chr9-139923233-G-A.
Other names: short protein forms P31L.
Identifiers: ClinVar variation 3370778 (VCV003370778.1).